The following is an entry in ClinVar:

NM_016356.5(DCDC2):c.247G>C (p.Gly83Arg)

Genes: DCDC2 (doublecortin domain containing 2; minus strand), KAAG1 (kidney associated DCDC2 antisense RNA 1; plus strand). Cytogenetic location: 6p22.3.
Variant type: single nucleotide variant.
Coding change: c.247G>C on transcript NM_016356.5 (MANE Select); coding-DNA position 247, G replaced by C.
Protein change: p.Gly83Arg; replaces glycine 83 with arginine.
Molecular consequence: missense variant.
Genome position (GRCh38, 1-based): chr6:24,357,504, C>G on the plus strand (G>C on the coding strand, the complement: DCDC2 is on the minus strand). VCF-style: chr6-24357504-C-G. GRCh37 (hg19) VCF-style: chr6-24357732-C-G.
Other names: c.247G>C, p.Gly83Arg (NM_001195610.2); short protein forms G83R.
Identifiers: ClinVar variation 1313436 (VCV001313436.4), dbSNP rs764953532, ClinGen allele CA3654852.

ClinVar aggregate classification (germline): Uncertain significance. Review status: criteria provided, single submitter (1 of 4 stars). 2 submissions from 2 submitters: Uncertain significance (1). 1 of the submissions does not count toward it. Last evaluated 2020-10-27.

Conditions:
DCDC2-related disorder. Also called: DCDC2-related condition.

Allele frequency attached by ClinVar (database versions not stated): gnomAD exomes 0.00001; ExAC 0.00003.
gnomAD v4.1: 11 of 1,611,854 alleles (0.00068%); highest among the groups gnomAD compares: South Asian, 0.012%; no homozygotes.

Submissions (2):

GeneDx
Classification: Uncertain significance. Last evaluated: 2020-10-27. Review status: criteria provided, single submitter. Criteria: GeneDx Variant Classification Process June 2021. Collection method: clinical testing. Allele origin: germline. Affected: yes.
Comment: In silico analysis supports that this missense variant has a deleterious effect on protein structure/function; Has not been previously published as pathogenic or benign to our knowledge

PreventionGenetics, part of Exact Sciences
Classification: Uncertain significance for DCDC2-related condition. Last evaluated: 2023-12-22. Review status: no assertion criteria provided. Collection method: clinical testing. Allele origin: germline. Not counted in ClinVar's aggregate classification.
Comment: The DCDC2 c.247G>C variant is predicted to result in the amino acid substitution p.Gly83Arg. To our knowledge, this variant has not been reported in the literature. This variant is reported in 0.0098% of alleles in individuals of South Asian descent in gnomAD. At this time, the clinical significance of this variant is uncertain due to the absence of conclusive functional and genetic evidence.